The following is an entry in ClinVar:

NM_201384.3(PLEC):c.5003A>C (p.Glu1668Ala)

Gene: PLEC (plectin; minus strand). Cytogenetic location: 8q24.3.
Variant type: single nucleotide variant.
Coding change: c.5003A>C on transcript NM_201384.3 (MANE Select); coding-DNA position 5003, A replaced by C.
Protein change: p.Glu1668Ala; replaces glutamic acid 1668 with alanine.
Molecular consequence: missense variant.
Genome position (GRCh38, 1-based): chr8:143,924,926, T>G on the plus strand (A>C on the coding strand, the complement: PLEC is on the minus strand). VCF-style: chr8-143924926-T-G. GRCh37 (hg19) VCF-style: chr8-144999094-T-G.
Other names: c.5084A>C, p.Glu1695Ala (NM_000445.5); c.4961A>C, p.Glu1654Ala (NM_201378.4); c.4937A>C, p.Glu1646Ala (NM_201379.3); c.5414A>C, p.Glu1805Ala (NM_201380.4); c.4907A>C, p.Glu1636Ala (NM_201381.3); c.5003A>C, p.Glu1668Ala (NM_201382.4); c.5015A>C, p.Glu1672Ala (NM_201383.3); short protein forms E1636A, E1668A, E1672A, E1805A, E1646A, E1695A, E1654A.
Identifiers: ClinVar variation 282396 (VCV000282396.16), dbSNP rs782670264, ClinGen allele CA4926469.

ClinVar aggregate classification (germline): Uncertain significance. Review status: criteria provided, multiple submitters, no conflicts (2 of 4 stars). 6 submissions from 6 submitters: Uncertain significance (6). Last evaluated 2025-07-20.

Conditions:
Epidermolysis bullosa simplex with nail dystrophy (EBS5D). Identifiers: MedGen C4225309, MONDO:0014661, OMIM 616487.
Epidermolysis bullosa simplex 5C, with pyloric atresia (EBS5C). Also called: PLEC-Related Epidermolysis Bullosa with Pyloric Atresia; Epidermolysis bullosa simplex with pyloric atresia; PLEC1-Related Epidermolysis Bullosa with Pyloric Atresia. Identifiers: Orphanet 158684, MedGen C2677349, MONDO:0012807, OMIM 612138.
Autosomal recessive limb-girdle muscular dystrophy type 2Q (LGMDR17). Also called: MUSCULAR DYSTROPHY, LIMB-GIRDLE, AUTOSOMAL RECESSIVE 17. Identifiers: Orphanet 254361, MedGen C3150989, MONDO:0013390, OMIM 613723.
Epidermolysis bullosa simplex 5B, with muscular dystrophy (EBS5B). Also called: EPIDERMOLYSIS BULLOSA SIMPLEX AND LIMB-GIRDLE MUSCULAR DYSTROPHY; Epidermolysis bullosa simplex with muscular dystrophy. Identifiers: Orphanet 257, MedGen C2931072, MONDO:0009181, OMIM 226670.
Epidermolysis bullosa simplex, Ogna type (EBS5A). Also called: Pidermolysis bullosa simplex 5A, Ogna type; EPIDERMOLYSIS BULLOSA SIMPLEX 5A, OGNA TYPE. Identifiers: Orphanet 79401, MedGen C0432317, MONDO:0007555, OMIM 131950.
Junctional epidermolysis bullosa with pyloric atresia. Also called: ITGB4-Related Epidermolysis Bullosa with Pyloric Atresia; ITGA6-Related Epidermolysis Bullosa with Pyloric Atresia; Epidermolysis bullosa, junctional, with pyloric atresia and aplasia cutis congenita; Epidermolysis bullosa junctionalis with pyloric atresia; APLASIA CUTIS CONGENITA WITH GASTROINTESTINAL ATRESIA; CARMI SYNDROME. Identifiers: Orphanet 79403, MedGen C5676875, MONDO:0009183, OMIM 226730.
Inborn genetic diseases. Identifiers: MedGen C0950123, MeSH D030342.

Allele frequency attached by ClinVar (database versions not stated): gnomAD exomes 0.00004 and 0.00007; TOPMed 0.00005; ExAC 0.00008; gnomAD 0.00009.
gnomAD v4.1: 106 of 1,584,784 alleles (0.0067%); highest among the groups gnomAD compares: Middle Eastern, 0.033%; no homozygotes.

Submissions (6):

Labcorp Genetics (formerly Invitae), Labcorp
Classification: Uncertain significance for Autosomal recessive limb-girdle muscular dystrophy type 2Q; Epidermolysis bullosa simplex, Ogna type; Epidermolysis bullosa simplex with nail dystrophy; Epidermolysis bullosa simplex 5C, with pyloric atresia; Epidermolysis bullosa simplex 5B, with muscular dystrophy. Last evaluated: 2025-07-20. Review status: criteria provided, single submitter. Criteria: Invitae Variant Classification Sherloc (09022015). Collection method: clinical testing. Allele origin: germline.
Comment: This sequence change replaces glutamic acid, which is acidic and polar, with alanine, which is neutral and non-polar, at codon 1695 of the PLEC protein (p.Glu1695Ala). This variant is present in population databases (rs782670264, gnomAD 0.04%). This variant has not been reported in the literature in individuals affected with PLEC-related conditions. ClinVar contains an entry for this variant (Variation ID: 282396). An algorithm developed to predict the effect of missense changes on protein structure and function outputs the following: PolyPhen-2: "Not Available". The alanine amino acid residue is found in multiple mammalian species, which suggests that this missense change does not adversely affect protein function. In summary, the available evidence is currently insufficient to determine the role of this variant in disease. Therefore, it has been classified as a Variant of Uncertain Significance.

Ambry Genetics
Classification: Uncertain significance for Inborn genetic diseases. Last evaluated: 2024-03-25. Review status: criteria provided, single submitter. Criteria: Ambry Variant Classification Scheme 2023. Collection method: clinical testing. Allele origin: germline.

Department of Pathology and Laboratory Medicine, Sinai Health System
Classification: Uncertain significance for Epidermolysis bullosa simplex, Ogna type; Epidermolysis bullosa simplex 5B, with muscular dystrophy; Junctional epidermolysis bullosa with pyloric atresia; Epidermolysis bullosa simplex 5C, with pyloric atresia; Autosomal recessive limb-girdle muscular dystrophy type 2Q; Epidermolysis bullosa simplex with nail dystrophy. Last evaluated: 2021-08-08. Review status: criteria provided, single submitter. Criteria: ACMG Guidelines, 2015. Collection method: research. Allele origin: germline.

Baylor Genetics
Classification: Uncertain significance for Epidermolysis bullosa simplex with nail dystrophy. Last evaluated: 2019-12-28. Review status: criteria provided, single submitter. Criteria: ACMG Guidelines, 2015. Collection method: clinical testing. Allele origin: unknown. Affected: yes.
Comment: This variant was determined to be of uncertain significance according to ACMG Guidelines, 2015 [PMID:25741868].

Revvity Omics, Revvity
Classification: Uncertain significance. Last evaluated: 2019-06-25. Review status: criteria provided, single submitter. Criteria: ACMG Guidelines, 2015. Collection method: clinical testing. Allele origin: germline.

Eurofins Ntd Llc (ga)
Classification: Uncertain significance. Last evaluated: 2017-02-23. Review status: criteria provided, single submitter. Criteria: EGL Classification Definitions 2015. Collection method: clinical testing. Allele origin: germline. Observed: 2 variant alleles, 2 heterozygotes.